The following is an entry in ClinVar:

NM_000051.4(ATM):c.6572+1G>A

Genes: ATM (ATM serine/threonine kinase; plus strand), C11orf65 (chromosome 11 open reading frame 65; minus strand). Cytogenetic location: 11q22.3.
Variant type: single nucleotide variant.
Coding change: c.6572+1G>A on transcript NM_000051.4 (MANE Select); the canonical splice donor site of the intron after coding-DNA position 6572, G replaced by A.
Molecular consequence: splice donor variant. On other transcripts: intron variant (2).
Genome position (GRCh38, 1-based): chr11:108,321,421, G>A. VCF-style: chr11-108321421-G-A. GRCh37 (hg19) VCF-style: chr11-108192148-G-A.
Other names: IVS45+1G>A; c.6572+1G>A (NM_001351834.2); c.641-12350C>T (NM_001330368.2); c.*39-12350C>T (NM_001351110.2).
Identifiers: ClinVar variation 127426 (VCV000127426.17), dbSNP rs587779856, ClinGen allele CA286940.

ClinVar aggregate classification (germline): Pathogenic/Likely pathogenic. Review status: criteria provided, multiple submitters, no conflicts (2 of 4 stars). 6 submissions from 6 submitters: Pathogenic (1); Likely pathogenic (4). 1 of the submissions does not count toward it. Last evaluated 2026-01-27.

Conditions:
Hereditary cancer-predisposing syndrome. Also called: Neoplastic Syndromes, Hereditary; Hereditary Cancer Syndrome; Tumor predisposition; Hereditary neoplastic syndrome. Identifiers: Orphanet 140162, MedGen C0027672, MeSH D009386, MONDO:0015356.
Familial cancer of breast. Also called: BREAST CANCER, FAMILIAL; hereditary breast carcinoma; Hereditary breast cancer. Identifiers: Orphanet 227535, MedGen C0346153, MONDO:0016419, OMIM 114480. Disease mechanism: loss of function.
Ataxia-telangiectasia syndrome (AT). Also called: Ataxia-telangiectasia, complementation group D; AT, COMPLEMENTATION GROUP C; Ataxia-telangiectasia; ATAXIA-TELANGIECTASIA, COMPLEMENTATION GROUP A; ATAXIA-TELANGIECTASIA, FRESNO VARIANT; Ataxia-telangiectasia, complementation group E. Identifiers: Orphanet 100, MedGen C0004135, MONDO:0008840, OMIM 208900.

gnomAD v4.1: 2 of 1,614,046 alleles (0.00012%); highest among the groups gnomAD compares: Non-Finnish European, 0.00017%; no homozygotes.

Submissions (6):

Labcorp Genetics (formerly Invitae), Labcorp
Classification: Likely pathogenic for Ataxia-telangiectasia syndrome. Last evaluated: 2026-01-27. Review status: criteria provided, single submitter. Criteria: Invitae Variant Classification Sherloc (09022015). Collection method: clinical testing. Allele origin: germline.
Comment: This sequence change affects a donor splice site in intron 45 of the ATM gene. RNA analysis indicates that disruption of this splice site induces altered splicing and likely results in a shortened protein product. This variant is not present in population databases (gnomAD no frequency). Disruption of this splice site has been observed in individual(s) with ataxia-telangiectasia (PMID: 15880721). ClinVar contains an entry for this variant (Variation ID: 127426). Studies have shown that disruption of this splice site results in skipping of exon 45, but is expected to preserve the integrity of the reading-frame (internal data). In summary, the currently available evidence indicates that the variant is pathogenic, but additional data are needed to prove that conclusively. Therefore, this variant has been classified as Likely Pathogenic.

Color Diagnostics, LLC DBA Color Health
Classification: Likely pathogenic for Hereditary cancer-predisposing syndrome. Last evaluated: 2024-08-19. Review status: criteria provided, single submitter. Criteria: ACMG Guidelines, 2015. Collection method: clinical testing. Allele origin: germline.
Comment: This variant causes a G>A nucleotide substitution at the +1 position of intron 45 of the ATM gene. Splice site prediction tools suggest that this variant may have a significant impact on RNA splicing. Although this prediction has not been confirmed in published RNA studies, this variant is expected to result in an absent or disrupted protein product. This variant has been reported in an individual affected with ataxia-telangiectasia (PMID: 15880721) and in an individual referred for cancer panel testing (PMID: 26681312). This variant has not been identified in the general population by the Genome Aggregation Database (gnomAD). Based on the available evidence, this variant is classified as Likely Pathogenic.

Ambry Genetics
Classification: Likely pathogenic for Hereditary cancer-predisposing syndrome. Last evaluated: 2024-05-08. Review status: criteria provided, single submitter. Criteria: Ambry Variant Classification Scheme 2023. Collection method: clinical testing. Allele origin: germline.
Comment: The c.6572+1G>A intronic variant results from a G to A substitution one nucleotide after coding exon 44 of the ATM gene. This alteration has been previously identified in one individual with ataxia telangiectasia, however, another ATM mutation was not detected (Birrell GW et al. Hum. Mutat. 2005 Jun; 25(6):593). This alteration was identified in 1/10030 consecutive patients referred for evaluation by an NGS hereditary cancer panel (Susswein LR et al. Genet. Med., 2016 08;18:823-32). Alterations that disrupt the canonical splice site are expected to cause aberrant splicing, resulting in an abnormal protein or a transcript that is subject to nonsense-mediated mRNA decay. RNA studies have demonstrated that this alteration results in abnormal splicing in the set of samples tested (Ambry internal data). Based on the majority of available evidence to date, this variant is likely to be pathogenic.

Myriad Genetics, Inc.
Classification: Likely pathogenic for Familial cancer of breast. Last evaluated: 2024-01-30. Review status: criteria provided, single submitter. Criteria: Myriad Autosomal Dominant, Autosomal Recessive and X-Linked Classification Criteria (2023). Collection method: clinical testing. Allele origin: unknown.
Comment: This variant is considered likely pathogenic. This variant occurs within a consensus splice junction and is predicted to result in abnormal mRNA splicing of either an out-of-frame exon or an in-frame exon necessary for protein stability and/or normal function.

GeneDx
Classification: Pathogenic. Last evaluated: 2014-03-17. Review status: criteria provided, single submitter. Criteria: GeneDx Variant Classification (06012015). Collection method: clinical testing. Allele origin: germline. Affected: yes.
Comment: This pathogenic variant is denoted ATM c.6572+1G>A or IVS45+1G>A and consists of a G>A nucleotide substitution at the +1 position of intron 45 of the ATM gene. The variant destroys a canonical splice donor site and is predicted to cause abnormal gene splicing, leading to either an abnormal message that is subject to nonsense-mediated mRNA decay or to an abnormal protein product. This variant, also reported in intron 47 using alternative nomenclature, has been reported in a patient with Ataxia Telangiectasia (A-T)who carried a second ATM variant and is considered pathogenic (Birrell 2005). A single variant in the ATM gene has been estimated to increase the relative risk of female breast cancer about 2-fold over the general population (Thompson 2005, Renwick 2006) resulting in a lifetime risk of approximately 25-30%. According to one study, breast cancer risk in women under age 50 who carry one ATM variant is nearly 5 times the age-matched general population risk which translates to approximately a 10% risk (Thompson 2005). This study of 1160 ATM carriers also reported evidence of increased risk for colon cancer. In a recent study of 166 unrelated familial pancreatic cancer patients, 2.4% were identified as carriers of one ATM variant, and in families with 3 or more cases of pancreatic cancer, 4.6% carried an ATM variant (Roberts 2012). Ataxia-Telangiectasia (A-T) is an autosomal recessive condition caused by two mutations (one affecting each allele) in the ATM gene. This multisystem disorder is characterized by progressive neurodegeneration, telangiectasias, immunodeficiency, and increased cancer risks. If an ATM variant carrier'spartner is also heterozygous for an ATM variant, the risk to have a child with A-T is 25% with each pregnancy.

Counsyl
Classification: Likely pathogenic for Ataxia-telangiectasia syndrome. Last evaluated: 2016-04-13. Review status: no assertion criteria provided. Collection method: clinical testing. Allele origin: unknown. Not counted in ClinVar's aggregate classification.

Literature cited by the submitters: PubMed 15880721 (cited by 4 submitters); PubMed 26681312 (cited by 3 submitters); PubMed 25525159 (cited by Ambry Genetics and Counsyl).